The following is an entry in ClinVar:

NM_194248.3(OTOF):c.2215-80T>C

Gene: OTOF (otoferlin; minus strand). Cytogenetic location: 2p23.3.
Variant type: single nucleotide variant.
Coding change: c.2215-80T>C on transcript NM_194248.3 (MANE Select); 80 bases into the intron before coding-DNA position 2215, T replaced by C.
Molecular consequence: intron variant. On other transcripts: missense variant (1).
Genome position (GRCh38, 1-based): chr2:26,477,829, A>G on the plus strand (T>C on the coding strand, the complement: OTOF is on the minus strand). VCF-style: chr2-26477829-A-G. GRCh37 (hg19) VCF-style: chr2-26700697-A-G.
Other names: c.65T>C, p.Leu22Pro (NM_194322.3); c.2215-80T>C (NM_001287489.2); c.-28+15T>C (NM_194323.3, NM_004802.4); short protein forms L22P.
Identifiers: ClinVar variation 48189 (VCV000048189.47), dbSNP rs143141993, ClinGen allele CA248653.
Genomic context (GRCh38, chr2:26,477,829, plus strand): 5'-GTGATGCTGGGCCACAGCCCCGCCTCCCCAGCCTCCCCAAATGCCTCCTCCCTGTTGATC[A>G]GGGGAGTGAGGGACCTCATGATCTGGGAGCTCTCGCTAGGGCCATCCTGAGTATCGGTCA-3'

ClinVar aggregate classification (germline): Conflicting classifications of pathogenicity. Review status: criteria provided, conflicting classifications (1 of 4 stars). 8 submissions from 8 submitters: Uncertain significance (1); Benign (1); Likely benign (5). 1 of the submissions does not count toward it. Last evaluated 2024-10-24.

Conditions:
OTOF-related disorder. Also called: OTOF-related condition.

Allele frequency attached by ClinVar (database versions not stated): 1000 Genomes Project 30x 0.00125; 1000 Genomes Project 0.00140; gnomAD 0.00259 and 0.00268; ExAC 0.00264; gnomAD exomes 0.00267; TOPMed 0.00347.
gnomAD v4.1: 6,076 of 1,581,032 alleles (0.38%); highest among the groups gnomAD compares: Non-Finnish European, 0.47%; 15 homozygotes.

Submissions (8):

Blueprint Genetics
Classification: Likely benign. Last evaluated: 2024-10-24. Review status: criteria provided, single submitter. Criteria: ACMG Guidelines, 2015. Collection method: clinical testing. Allele origin: germline.

CeGaT Center for Human Genetics Tuebingen
Classification: Likely benign. Last evaluated: 2024-04-01. Review status: criteria provided, single submitter. Criteria: CeGaT Center For Human Genetics Tuebingen Variant Classification Criteria Version 2. Collection method: clinical testing. Allele origin: germline. Affected: yes. Observed: 3 variant alleles.
Comment: OTOF: BP4, BS2

ARUP Laboratories, Molecular Genetics and Genomics, ARUP Laboratories
Classification: Likely benign. Last evaluated: 2022-10-21. Review status: criteria provided, single submitter. Criteria: ARUP Molecular Germline Variant Investigation Process 2021. Collection method: clinical testing. Allele origin: germline.

GeneDx
Classification: Likely benign. Last evaluated: 2018-03-26. Review status: criteria provided, single submitter. Criteria: GeneDx Variant Classification (06012015). Collection method: clinical testing. Allele origin: germline. Affected: yes.
Comment: This variant is considered likely benign or benign based on one or more of the following criteria: it is a conservative change, it occurs at a poorly conserved position in the protein, it is predicted to be benign by multiple in silico algorithms, and/or has population frequency not consistent with disease.

Eurofins Ntd Llc (ga)
Classification: Uncertain significance. Last evaluated: 2018-02-16. Review status: criteria provided, single submitter. Criteria: EGL ClinVar v180209 classification definitions. Collection method: clinical testing. Allele origin: germline. Observed: 1 variant allele, 1 heterozygote.

Laboratory for Molecular Medicine, Mass General Brigham Personalized Medicine
Classification: Benign. Last evaluated: 2016-06-09. Review status: criteria provided, single submitter. Criteria: LMM Criteria. Collection method: clinical testing. Allele origin: germline. Observed: 21 variant alleles.
Comment: p.Leu22Pro in exon 1A of OTOF: This variant is not expected to have clinical sig nificance because it has been identified in 0.5% (130/28336) of European chromos omes by the Exome Aggregation Consortium (dbSNP rs143141993).

Genomic Diagnostic Laboratory, Division of Genomic Diagnostics, Children's Hospital of Philadelphia
Classification: Likely benign. Last evaluated: 2015-07-17. Review status: criteria provided, single submitter. Criteria: DGD Variant Analysis Guidelines. Collection method: clinical testing. Allele origin: unknown.

PreventionGenetics, part of Exact Sciences
Classification: Likely benign for OTOF-related condition. Last evaluated: 2022-11-03. Review status: no assertion criteria provided. Collection method: clinical testing. Allele origin: germline. Not counted in ClinVar's aggregate classification.
Comment: This variant is classified as likely benign based on ACMG/AMP sequence variant interpretation guidelines (Richards et al. 2015 PMID: 25741868, with internal and published modifications).